The following is an entry in ClinVar:

NM_016204.4(GDF2):c.1290G>A (p.Ter430=)

Gene: GDF2 (growth differentiation factor 2; plus strand). Cytogenetic location: 10q11.22.
Variant type: single nucleotide variant.
Coding change: c.1290G>A on transcript NM_016204.4 (MANE Select); coding-DNA position 1290, G replaced by A.
Protein change: p.Ter430=.
Molecular consequence: synonymous variant.
Genome position (GRCh38, 1-based): chr10:47,325,784, G>A. VCF-style: chr10-47325784-G-A. GRCh37 (hg19) VCF-style: chr10-48413578-C-T.
Identifiers: ClinVar variation 374605 (VCV000374605.57), dbSNP rs139568056, ClinGen allele CA5487909.
Genomic context (GRCh38, chr10:47,325,784, plus strand): 5'-GGTGCCCACCCTCAAGTACCATTACGAGGGCATGAGCGTGGCAGAGTGTGGGTGCAGGTA[G>A]TATCTGCCTGCGGGGCTGGGGAGGCAGGCCAAAGGGGCTCCACATGAGAGGTCCTGCATG-3'

ClinVar aggregate classification (germline): Conflicting classifications of pathogenicity. Review status: criteria provided, conflicting classifications (1 of 4 stars). 5 submissions from 5 submitters: Uncertain significance (1); Likely benign (4). Last evaluated 2025-12-02.

Conditions:
Cardiovascular phenotype. Identifiers: MedGen CN230736.
Telangiectasia, hereditary hemorrhagic, type 5 (HHT5). Identifiers: Orphanet 774, MedGen C3809710, MONDO:0014217, OMIM 615506.

Allele frequency attached by ClinVar (database versions not stated): gnomAD exomes 0.00024 and 0.00023; ESP Exome Variant Server 0.00031; ExAC 0.00038; gnomAD 0.00019 and 0.00021; TOPMed 0.00020.

Submissions (5):

Labcorp Genetics (formerly Invitae), Labcorp
Classification: Likely benign for Telangiectasia, hereditary hemorrhagic, type 5. Last evaluated: 2025-12-02. Review status: criteria provided, single submitter. Criteria: Invitae Variant Classification Sherloc (09022015). Collection method: clinical testing. Allele origin: germline.

ARUP Laboratories, Molecular Genetics and Genomics, ARUP Laboratories
Classification: Likely benign for Telangiectasia, hereditary hemorrhagic, type 5. Last evaluated: 2023-08-25. Review status: criteria provided, single submitter. Criteria: ARUP Molecular Germline Variant Investigation Process 2024. Collection method: clinical testing. Allele origin: germline.

Ambry Genetics
Classification: Likely benign for Cardiovascular phenotype. Last evaluated: 2022-03-04. Review status: criteria provided, single submitter. Criteria: Ambry Variant Classification Scheme 2023. Collection method: clinical testing. Allele origin: germline.

GeneDx
Classification: Likely benign. Last evaluated: 2018-03-16. Review status: criteria provided, single submitter. Criteria: GeneDx Variant Classification (06012015). Collection method: clinical testing. Allele origin: germline. Affected: yes.
Comment: This variant is considered likely benign or benign based on one or more of the following criteria: it is a conservative change, it occurs at a poorly conserved position in the protein, it is predicted to be benign by multiple in silico algorithms, and/or has population frequency not consistent with disease.

CeGaT Center for Human Genetics Tuebingen
Classification: Uncertain significance. Last evaluated: 2016-07-01. Review status: criteria provided, single submitter. Criteria: CeGaT Center For Human Genetics Tuebingen Variant Classification Criteria Version 2. Collection method: clinical testing. Allele origin: germline. Affected: yes. Observed: 1 variant allele.